The following is an entry in ClinVar:

ClinVar aggregate classification (germline): Uncertain significance. Review status: criteria provided, multiple submitters, no conflicts (2 of 4 stars). 3 submissions from 3 submitters: Uncertain significance (3). Last evaluated 2025-01-24.

Conditions:
SLC16A2-related disorder. Also called: SLC16A2-related condition.
Spastic paraplegia. Identifiers: MedGen C0037772, HP:0001258.

Allele frequency attached by ClinVar (database versions not stated): gnomAD exomes 0.00001 and below 0.00001; TOPMed 0.00003.
gnomAD v4.1: 3 of 1,200,516 alleles (0.00025%); highest among the groups gnomAD compares: Non-Finnish European, 0.00011%; no homozygotes.

Submissions (3):

PreventionGenetics, part of Exact Sciences
Classification: Uncertain significance for SLC16A2-related condition. Last evaluated: 2025-01-24. Review status: criteria provided, single submitter. Criteria: ACMG Guidelines, 2015. Collection method: clinical testing. Allele origin: germline.
Comment: The SLC16A2 c.202G>A variant is predicted to result in the amino acid substitution p.Glu68Lys. To our knowledge, this variant has not been reported in the literature. This variant is reported in 0.0015% of alleles in individuals of European (Non-Finnish) descent in gnomAD. At this time, the clinical significance of this variant is uncertain due to the absence of conclusive functional and genetic evidence.

Labcorp Genetics (formerly Invitae), Labcorp
Classification: Uncertain significance for Spastic paraplegia. Last evaluated: 2023-02-19. Review status: criteria provided, single submitter. Criteria: Invitae Variant Classification Sherloc (09022015). Collection method: clinical testing. Allele origin: germline.
Comment: ClinVar contains an entry for this variant (Variation ID: 664210). Advanced modeling of protein sequence and biophysical properties (such as structural, functional, and spatial information, amino acid conservation, physicochemical variation, residue mobility, and thermodynamic stability) performed at Invitae indicates that this missense variant is not expected to disrupt SLC16A2 protein function. In summary, the available evidence is currently insufficient to determine the role of this variant in disease. Therefore, it has been classified as a Variant of Uncertain Significance. This variant has not been reported in the literature in individuals affected with SLC16A2-related conditions. This sequence change replaces glutamic acid, which is acidic and polar, with lysine, which is basic and polar, at codon 68 of the SLC16A2 protein (p.Glu68Lys). This variant is not present in population databases (gnomAD no frequency).

Blueprint Genetics
Classification: Uncertain significance. Last evaluated: 2021-07-30. Review status: criteria provided, single submitter. Criteria: ACMG Guidelines, 2015. Collection method: clinical testing. Allele origin: germline.

NM_006517.5(SLC16A2):c.202G>A (p.Glu68Lys)

Gene: SLC16A2 (solute carrier family 16 member 2; plus strand). Cytogenetic location: Xq13.2.
Variant type: single nucleotide variant.
Coding change: c.202G>A on transcript NM_006517.5 (MANE Select); coding-DNA position 202, G replaced by A.
Protein change: p.Glu68Lys; replaces glutamic acid 68 with lysine.
Molecular consequence: missense variant.
Genome position (GRCh38, 1-based): chrX:74,421,839, G>A. VCF-style: chrX-74421839-G-A. GRCh37 (hg19) VCF-style: chrX-73641674-G-A.
Other names: short protein forms E68K.
Identifiers: ClinVar variation 664210 (VCV000664210.10), dbSNP rs1034820850, ClinGen allele CA331275947.